The following is an entry in ClinVar:

NM_002737.3(PRKCA):c.1906G>A (p.Val636Ile)

Gene: PRKCA (protein kinase C alpha; plus strand). Cytogenetic location: 17q24.2.
Variant type: single nucleotide variant.
Coding change: c.1906G>A on transcript NM_002737.3 (MANE Select); coding-DNA position 1906, G replaced by A.
Protein change: p.Val636Ile; replaces valine 636 with isoleucine.
Molecular consequence: missense variant.
Genome position (GRCh38, 1-based): chr17:66,803,924, G>A. VCF-style: chr17-66803924-G-A. GRCh37 (hg19) VCF-style: chr17-64800042-G-A.
Other names: short protein forms V636I.
Identifiers: ClinVar variation 777213 (VCV000777213.5), dbSNP rs141376042, ClinGen allele CA8721179.
Genomic context (GRCh38, chr17:66,803,924, plus strand): 5'-TCTCCACAGTGTGGCAAAGGAGCAGAGAACTTTGACAAGTTCTTCACACGAGGACAGCCC[G>A]TCTTAACACCACCTGATCAGCTGGTTATTGCTAACATAGACCAGTCTGATTTTGAAGGGT-3'
Protein context (NP_002728.2, residues 626-646): FDKFFTRGQP[Val636Ile]LTPPDQLVIA

ClinVar aggregate classification (germline): Likely benign. Review status: criteria provided, single submitter (1 of 4 stars). 2 submissions from 2 submitters: Likely benign (1). 1 of the submissions does not count toward it. Last evaluated 2018-06-26.

Conditions:
PRKCA-related disorder. Also called: PRKCA-related condition.

Allele frequency attached by ClinVar (database versions not stated): gnomAD exomes 0.00023 and 0.00059; ExAC 0.00075; 1000 Genomes Project 30x 0.00187; gnomAD 0.00218 and 0.00239; 1000 Genomes Project 0.00220; TOPMed 0.00259; ESP Exome Variant Server 0.00284.
gnomAD v4.1: 680 of 1,613,988 alleles (0.042%); highest among the groups gnomAD compares: African/African-American, 0.78%; 2 homozygotes.

Submissions (2):

Labcorp Genetics (formerly Invitae), Labcorp
Classification: Likely benign. Last evaluated: 2018-06-26. Review status: criteria provided, single submitter. Criteria: Invitae Variant Classification Sherloc (09022015). Collection method: clinical testing. Allele origin: germline.

PreventionGenetics, part of Exact Sciences
Classification: Likely benign for PRKCA-related condition. Last evaluated: 2020-09-22. Review status: no assertion criteria provided. Collection method: clinical testing. Allele origin: germline. Not counted in ClinVar's aggregate classification.
Comment: This variant is classified as likely benign based on ACMG/AMP sequence variant interpretation guidelines (Richards et al. 2015 PMID: 25741868, with internal and published modifications).